The following is an entry in ClinVar:

ClinVar aggregate classification (germline): Uncertain significance (1 of 4 stars; one submission).

Conditions:
Hereditary cancer-predisposing syndrome. Also called: Tumor predisposition; Hereditary neoplastic syndrome; Neoplastic Syndromes, Hereditary; Hereditary Cancer Syndrome. Identifiers: Orphanet 140162, MedGen C0027672, MeSH D009386, MONDO:0015356.

Submission:

Ambry Genetics
Classification: Uncertain significance for Hereditary cancer-predisposing syndrome. Last evaluated: 2025-05-02. Review status: criteria provided, single submitter. Criteria: Ambry Variant Classification Scheme 2023. Collection method: clinical testing. Allele origin: germline.
Comment: The p.I558L variant (also known as c.1672A>C), located in coding exon 6 of the BLM gene, results from an A to C substitution at nucleotide position 1672. The isoleucine at codon 558 is replaced by leucine, an amino acid with highly similar properties. This amino acid position is conserved. In addition, this alteration is predicted to be tolerated by in silico analysis. Based on the available evidence, the clinical significance of this variant remains unclear.

NM_000057.4(BLM):c.1672A>C (p.Ile558Leu)

Gene: BLM (BLM RecQ like helicase; plus strand). Cytogenetic location: 15q26.1.
Variant type: single nucleotide variant.
Coding change: c.1672A>C on transcript NM_000057.4 (MANE Select); coding-DNA position 1672, A replaced by C.
Protein change: p.Ile558Leu; replaces isoleucine 558 with leucine.
Molecular consequence: missense variant.
Genome position (GRCh38, 1-based): chr15:90,761,045, A>C. VCF-style: chr15-90761045-A-C. GRCh37 (hg19) VCF-style: chr15-91304275-A-C.
Other names: c.1672A>C, p.Ile558Leu (NM_001287246.2, NM_001287247.2); c.547A>C, p.Ile183Leu (NM_001287248.2); short protein forms I183L, I558L.
Identifiers: ClinVar variation 3991661 (VCV003991661.1).